The following is an entry in ClinVar:

NM_003632.3(CNTNAP1):c.3190C>T (p.Arg1064Trp)

Gene: CNTNAP1 (contactin associated protein 1; plus strand). Cytogenetic location: 17q21.2.
Variant type: single nucleotide variant.
Coding change: c.3190C>T on transcript NM_003632.3 (MANE Select); coding-DNA position 3190, C replaced by T.
Protein change: p.Arg1064Trp; replaces arginine 1064 with tryptophan.
Molecular consequence: missense variant.
Genome position (GRCh38, 1-based): chr17:42,695,718, C>T. VCF-style: chr17-42695718-C-T. GRCh37 (hg19) VCF-style: chr17-40847736-C-T.
Other names: short protein forms R1064W.
Identifiers: ClinVar variation 1380935 (VCV001380935.6), dbSNP rs143542325, ClinGen allele CA8582256.

ClinVar aggregate classification (germline): Uncertain significance (1 of 4 stars; one submission).

Allele frequency attached by ClinVar (database versions not stated): ExAC 0.00005; ESP Exome Variant Server 0.00008; 1000 Genomes Project 30x 0.00016; 1000 Genomes Project 0.00020; gnomAD 0.00001 and 0.00002; TOPMed 0.00001; gnomAD exomes 0.00004.
gnomAD v4.1: 32 of 1,614,168 alleles (0.002%); highest among the groups gnomAD compares: South Asian, 0.03%; no homozygotes.

Submission:

Labcorp Genetics (formerly Invitae), Labcorp
Classification: Uncertain significance. Last evaluated: 2026-01-08. Review status: criteria provided, single submitter. Criteria: Invitae Variant Classification Sherloc (09022015). Collection method: clinical testing. Allele origin: germline.
Comment: This sequence change replaces arginine, which is basic and polar, with tryptophan, which is neutral and slightly polar, at codon 1064 of the CNTNAP1 protein (p.Arg1064Trp). This variant is present in population databases (rs143542325, gnomAD 0.02%). This variant has not been reported in the literature in individuals affected with CNTNAP1-related conditions. ClinVar contains an entry for this variant (Variation ID: 1380935). An algorithm developed to predict the effect of missense changes on protein structure and function (PolyPhen-2) suggests that this variant is likely to be disruptive. In summary, the available evidence is currently insufficient to determine the role of this variant in disease. Therefore, it has been classified as a Variant of Uncertain Significance.